The following is an entry in ClinVar:

ClinVar aggregate classification (germline): Uncertain significance (1 of 4 stars; one submission).

Conditions:
Malignant hyperthermia, susceptibility to, 1 (MHS1). Also called: Anesthesia related hyperthermia; Malignant hyperpyrexia; Fulminating hyperpyrexia; Pharmacogenic myopathy; RYR1-Related Malignant Hyperthermia Susceptibility; Malignant hyperthermia suceptibility 1. Identifiers: Orphanet 423, MedGen C2930980, MONDO:0007783, OMIM 145600.

Submission:

All of Us Research Program, National Institutes of Health
Classification: Uncertain significance for Malignant hyperthermia, susceptibility to, 1. Last evaluated: 2023-10-02. Review status: criteria provided, single submitter. Criteria: ACMG Guidelines, 2015. Collection method: clinical testing. Allele origin: germline. Inheritance: Autosomal dominant inheritance. Observed: 1 variant allele, 1 heterozygote.
Comment: This variant inserts 1 nucleotide in exon 25 of the RYR1 gene, creating a frameshift and premature translation stop signal. This variant is expected to result in an absent or non-functional protein product. To our knowledge, this variant has not been reported in individuals affected with RYR1-related disorders in the literature. This variant has not been identified in the general population by the Genome Aggregation Database (gnomAD). Loss of RYR1 function due to truncation variants is not an established disease mechanism for autosomal dominant malignant hyperthermia, although it is associated with other phenotype(s). Due to insufficient evidence, this variant is classified as a Variant of Uncertain Significance for autosomal dominant malignant hyperthermia.

This study involves interpretation of variants in research participants for the purpose of population health screening. Participant phenotype was not available at the time of variant classification. Additional details can be found in publication PMID: 35346344, PMCID: PMC8962531

NM_000540.3(RYR1):c.3322dup (p.Leu1108fs)

Gene: RYR1 (ryanodine receptor 1; plus strand). Cytogenetic location: 19q13.2.
Variant type: Duplication.
Coding change: c.3322dup on transcript NM_000540.3 (MANE Select); coding-DNA position 3322, one base duplicated (C; older notation c.3322dupC).
Protein change: p.Leu1108fs; shifts the reading frame from leucine 1108.
Molecular consequence: frameshift variant.
Genome position (GRCh38, 1-based): chr19:38,467,753, C duplicated. VCF-style (leftmost placement, unchanged base first): chr19-38467752-G-GC. GRCh37 (hg19) VCF-style: chr19-38958392-G-GC.
Other names: c.3322dup, p.Leu1108fs (NM_001042723.2); short protein forms L1108fs.
Identifiers: ClinVar variation 3073513 (VCV003073513.1), dbSNP rs2514102544, ClinGen allele CA2825002773.